The following is an entry in ClinVar:

NM_032620.4(GTPBP3):c.62C>T (p.Thr21Met)

Gene: GTPBP3 (GTP binding protein 3, mitochondrial; plus strand). Cytogenetic location: 19p13.11.
Variant type: single nucleotide variant.
Coding change: c.62C>T on transcript NM_032620.4 (MANE Select); coding-DNA position 62, C replaced by T.
Protein change: p.Thr21Met; replaces threonine 21 with methionine.
Molecular consequence: missense variant.
Genome position (GRCh38, 1-based): chr19:17,338,016, C>T. VCF-style: chr19-17338016-C-T. GRCh37 (hg19) VCF-style: chr19-17448825-C-T.
Other names: c.62C>T, p.Thr21Met (NM_001128855.3, NM_133644.4); c.128C>T, p.Thr43Met (NM_001195422.1); short protein forms T21M, T43M.
Identifiers: ClinVar variation 1717281 (VCV001717281.5), dbSNP rs746321925, ClinGen allele CA404731429.

ClinVar aggregate classification (germline): Uncertain significance (1 of 4 stars; one submission).

Submission:

Labcorp Genetics (formerly Invitae), Labcorp
Classification: Uncertain significance. Last evaluated: 2022-08-18. Review status: criteria provided, single submitter. Criteria: Invitae Variant Classification Sherloc (09022015). Collection method: clinical testing. Allele origin: germline.
Comment: This variant has not been reported in the literature in individuals affected with GTPBP3-related conditions. This variant is not present in population databases (gnomAD no frequency). This sequence change replaces threonine, which is neutral and polar, with methionine, which is neutral and non-polar, at codon 21 of the GTPBP3 protein (p.Thr21Met). Algorithms developed to predict the effect of missense changes on protein structure and function (SIFT, PolyPhen-2, Align-GVGD) all suggest that this variant is likely to be tolerated. In summary, the available evidence is currently insufficient to determine the role of this variant in disease. Therefore, it has been classified as a Variant of Uncertain Significance.